The following is an entry in ClinVar:

NM_130797.4(DPP6):c.2134-11G>A

Gene: DPP6 (dipeptidyl peptidase like 6; plus strand). Cytogenetic location: 7q36.2.
Variant type: single nucleotide variant.
Coding change: c.2134-11G>A on transcript NM_130797.4 (MANE Select); 11 bases into the intron before coding-DNA position 2134, G replaced by A.
Molecular consequence: intron variant.
Genome position (GRCh38, 1-based): chr7:154,885,622, G>A. VCF-style: chr7-154885622-G-A. GRCh37 (hg19) VCF-style: chr7-154677332-G-A.
Other names: c.1951-11G>A (NM_001364500.2, NM_001364499.2, NM_001364497.2 and 1 more transcripts); c.1942-11G>A (NM_001039350.3); c.1948-11G>A (NM_001936.5); c.1813-11G>A (NM_001290252.2).
Identifiers: ClinVar variation 1706729 (VCV001706729.2), dbSNP rs112460834, ClinGen allele CA4583840.

ClinVar aggregate classification (germline): Likely benign (1 of 4 stars; one submission).

Allele frequency attached by ClinVar (database versions not stated): 1000 Genomes Project 30x 0.00468; 1000 Genomes Project 0.00539; TOPMed 0.00819; ESP Exome Variant Server 0.00943; gnomAD exomes 0.01333; ExAC 0.01426.
gnomAD v4.1: 19,998 of 1,559,790 alleles (1.3%); highest among the groups gnomAD compares: Non-Finnish European, 1.5%; 136 homozygotes.

Submission:

GeneDx
Classification: Likely benign. Last evaluated: 2021-05-04. Review status: criteria provided, single submitter. Criteria: GeneDx Variant Classification Process June 2021. Collection method: clinical testing. Allele origin: germline. Affected: yes.
Comment: See Variant Classification Assertion Criteria.